The following is an entry in ClinVar:

ClinVar aggregate classification (germline): Pathogenic (1 of 4 stars; one submission).

Submission:

Labcorp Genetics (formerly Invitae), Labcorp
Classification: Pathogenic. Last evaluated: 2020-04-10. Review status: criteria provided, single submitter. Criteria: Invitae Variant Classification Sherloc (09022015). Collection method: clinical testing. Allele origin: germline.
Comment: This sequence change creates a premature translational stop signal (p.Glu412*) in the CHM gene. It is expected to result in an absent or disrupted protein product. This variant is not present in population databases (ExAC no frequency). This variant has been observed in individual(s) with choroideremia (PMID: 27247961, Invitae). Loss-of-function variants in CHM are known to be pathogenic (PMID: 9067750, 23811034). For these reasons, this variant has been classified as Pathogenic.

Literature cited by the submitters: PubMed 27247961; PubMed 9067750; PubMed 23811034.

NM_000390.4(CHM):c.1234G>T (p.Glu412Ter)

Gene: CHM (CHM Rab escort protein; minus strand). Cytogenetic location: Xq21.2.
Variant type: single nucleotide variant.
Coding change: c.1234G>T on transcript NM_000390.4 (MANE Select); coding-DNA position 1234, G replaced by T.
Protein change: p.Glu412Ter; replaces glutamic acid 412 with a stop codon.
Molecular consequence: nonsense.
Genome position (GRCh38, 1-based): chrX:85,911,271, C>A on the plus strand (G>T on the coding strand, the complement: CHM is on the minus strand). VCF-style: chrX-85911271-C-A. GRCh37 (hg19) VCF-style: chrX-85166276-C-A.
Other names: c.790G>T, p.Glu264Ter (NM_001320959.1, NM_001362517.1, NM_001362518.2 and 1 more transcripts); short protein forms E264*, E412*.
Identifiers: ClinVar variation 1073120 (VCV001073120.9), dbSNP rs1927009899, ClinGen allele CA413790246.